The following is an entry in ClinVar:

ClinVar aggregate classification (germline): Uncertain significance. Review status: criteria provided, multiple submitters, no conflicts (2 of 4 stars). 2 submissions from 2 submitters: Uncertain significance (2). Last evaluated 2024-01-23.

Allele frequency attached by ClinVar (database versions not stated): ExAC 0.00001; gnomAD exomes 0.00001; gnomAD 0.00004; TOPMed 0.00005; ESP Exome Variant Server 0.00015.
gnomAD v4.1: 10 of 1,613,894 alleles (0.00062%); highest among the groups gnomAD compares: African/African-American, 0.013%; no homozygotes.

Submissions (2):

Ambry Genetics
Classification: Uncertain significance. Last evaluated: 2024-01-23. Review status: criteria provided, single submitter. Criteria: Ambry Variant Classification Scheme 2023. Collection method: clinical testing. Allele origin: germline.

Labcorp Genetics (formerly Invitae), Labcorp
Classification: Uncertain significance. Last evaluated: 2023-12-01. Review status: criteria provided, single submitter. Criteria: Invitae Variant Classification Sherloc (09022015). Collection method: clinical testing. Allele origin: germline.
Comment: This sequence change replaces leucine, which is neutral and non-polar, with proline, which is neutral and non-polar, at codon 181 of the MICAL1 protein (p.Leu181Pro). This variant is present in population databases (rs374965648, gnomAD 0.03%). This variant has not been reported in the literature in individuals affected with MICAL1-related conditions. ClinVar contains an entry for this variant (Variation ID: 1916399). An algorithm developed to predict the effect of missense changes on protein structure and function (PolyPhen-2) suggests that this variant is likely to be disruptive. In summary, the available evidence is currently insufficient to determine the role of this variant in disease. Therefore, it has been classified as a Variant of Uncertain Significance.

NM_022765.4(MICAL1):c.485T>C (p.Leu162Pro)

Gene: MICAL1 (microtubule associated monooxygenase, calponin and LIM domain containing 1; minus strand). Cytogenetic location: 6q21.
Variant type: single nucleotide variant.
Coding change: c.485T>C on transcript NM_022765.4 (MANE Select); coding-DNA position 485, T replaced by C.
Protein change: p.Leu162Pro; replaces leucine 162 with proline.
Molecular consequence: missense variant.
Genome position (GRCh38, 1-based): chr6:109,453,349, A>G on the plus strand (T>C on the coding strand, the complement: MICAL1 is on the minus strand). VCF-style: chr6-109453349-A-G. GRCh37 (hg19) VCF-style: chr6-109774552-A-G.
Other names: c.485T>C (NM_022765.3); c.485T>C, p.Leu162Pro (NM_001159291.2); c.542T>C, p.Leu181Pro (NM_001286613.2); short protein forms L181P, L162P.
Identifiers: ClinVar variation 1916399 (VCV001916399.6), dbSNP rs374965648, ClinGen allele CA3953751.